The following is an entry in ClinVar:

NM_001429.4(EP300):c.27G>C (p.Gly9=)

Gene: EP300 (E1A binding protein p300; plus strand). Cytogenetic location: 22q13.2.
Variant type: single nucleotide variant.
Coding change: c.27G>C on transcript NM_001429.4 (MANE Select); coding-DNA position 27, G replaced by C.
Protein change: p.Gly9=; no amino-acid change (glycine 9 retained).
Molecular consequence: synonymous variant.
Genome position (GRCh38, 1-based): chr22:41,093,031, G>C. VCF-style: chr22-41093031-G-C. GRCh37 (hg19) VCF-style: chr22-41489035-G-C.
Other names: c.27G>C, p.Gly9= (NM_001362843.2).
Identifiers: ClinVar variation 3344089 (VCV003344089.1).

ClinVar aggregate classification (germline): Likely benign (0 of 4 stars; one submission).

Conditions:
EP300-related disorder. Also called: EP300-related condition; EP300-related disorders.

Submission:

PreventionGenetics, part of Exact Sciences
Classification: Likely benign for EP300-related condition. Last evaluated: 2024-08-08. Review status: no assertion criteria provided. Collection method: clinical testing. Allele origin: germline.
Comment: This variant is classified as likely benign based on ACMG/AMP sequence variant interpretation guidelines (Richards et al. 2015 PMID: 25741868, with internal and published modifications).